The following is an entry in ClinVar:

NM_005592.4(MUSK):c.857A>G (p.Asn286Ser)

Gene: MUSK (muscle associated receptor tyrosine kinase; plus strand). Cytogenetic location: 9q31.3.
Variant type: single nucleotide variant.
Coding change: c.857A>G on transcript NM_005592.4 (MANE Select); coding-DNA position 857, A replaced by G.
Protein change: p.Asn286Ser; replaces asparagine 286 with serine.
Molecular consequence: missense variant. On other transcripts: 5 prime UTR variant (1).
Genome position (GRCh38, 1-based): chr9:110,747,744, A>G. VCF-style: chr9-110747744-A-G. GRCh37 (hg19) VCF-style: chr9-113510024-A-G.
Other names: c.887A>G, p.Asn296Ser (NM_001166280.2); c.857A>G, p.Asn286Ser (NM_001166281.2); c.-380A>G (NM_001369398.1); short protein forms N286S, N296S.
Identifiers: ClinVar variation 364604 (VCV000364604.13), dbSNP rs747154421, ClinGen allele CA5184198.
Genomic context (GRCh38, chr9:110,747,744, plus strand): 5'-TTGACTCAAGACTGCAGCTGTTTATCACCAAGCCAGGACTCTACACATGCATAGCTACCA[A>G]TAAGCATGGGGAGAAGTTCAGTACTGCCAAGGCTGCAGCCACCATCAGCATAGCAGGTAG-3'
Protein context (NP_005583.1, residues 276-296): KPGLYTCIAT[Asn286Ser]KHGEKFSTAK

ClinVar aggregate classification (germline): Uncertain significance. Review status: criteria provided, multiple submitters, no conflicts (2 of 4 stars). 3 submissions from 3 submitters: Uncertain significance (3). Last evaluated 2021-08-30.

Conditions:
Congenital myasthenic syndrome 9. Also called: Myasthenic syndrome, congenital, 9, associated with acetylcholine receptor deficiency. Identifiers: Orphanet 590, MedGen C4225368, MONDO:0014587, OMIM 616325.
Fetal akinesia deformation sequence 1 (FADS1). Also called: Pena-Shokeir syndrome type I; Fetal akinesia sequence. Identifiers: Orphanet 994, MedGen C1276035, MONDO:0100101, OMIM 208150, HP:0001989.

Allele frequency attached by ClinVar (database versions not stated): ExAC 0.00002; gnomAD 0.00002; gnomAD exomes 0.00002 and 0.00003; TOPMed 0.00002.
gnomAD v4.1: 43 of 1,613,718 alleles (0.0027%); highest among the groups gnomAD compares: Non-Finnish European, 0.0034%; no homozygotes.

Submissions (3):

Labcorp Genetics (formerly Invitae), Labcorp
Classification: Uncertain significance for Congenital myasthenic syndrome 9; Fetal akinesia deformation sequence 1. Last evaluated: 2021-08-30. Review status: criteria provided, single submitter. Criteria: Invitae Variant Classification Sherloc (09022015). Collection method: clinical testing. Allele origin: germline.
Comment: This sequence change replaces asparagine with serine at codon 286 of the MUSK protein (p.Asn286Ser). The asparagine residue is highly conserved and there is a small physicochemical difference between asparagine and serine. This variant is present in population databases (rs747154421, ExAC 0.003%). This variant has not been reported in the literature in individuals affected with MUSK-related conditions. ClinVar contains an entry for this variant (Variation ID: 364604). Algorithms developed to predict the effect of missense changes on protein structure and function (SIFT, PolyPhen-2, Align-GVGD) all suggest that this variant is likely to be disruptive. Algorithms developed to predict the effect of sequence changes on RNA splicing suggest that this variant may create or strengthen a splice site. In summary, the available evidence is currently insufficient to determine the role of this variant in disease. Therefore, it has been classified as a Variant of Uncertain Significance.

Revvity Omics, Revvity
Classification: Uncertain significance. Last evaluated: 2020-03-26. Review status: criteria provided, single submitter. Criteria: ACMG Guidelines, 2015. Collection method: clinical testing. Allele origin: germline.

Illumina Laboratory Services, Illumina
Classification: Uncertain significance for Congenital myasthenic syndrome 9. Last evaluated: 2018-01-12. Review status: criteria provided, single submitter. Criteria: ICSL Variant Classification Criteria 13 December 2019. Collection method: clinical testing. Allele origin: germline.